The following is an entry in ClinVar:

NM_001083962.2(TCF4):c.369+12T>G

Gene: TCF4 (transcription factor 4; minus strand). Cytogenetic location: 18q21.2.
Variant type: single nucleotide variant.
Coding change: c.369+12T>G on transcript NM_001083962.2 (MANE Select); 12 bases into the intron after coding-DNA position 369, T replaced by G.
Molecular consequence: intron variant.
Genome position (GRCh38, 1-based): chr18:55,403,442, A>C on the plus strand (T>G on the coding strand, the complement: TCF4 is on the minus strand). VCF-style: chr18-55403442-A-C. GRCh37 (hg19) VCF-style: chr18-53070673-A-C.
Other names: c.675+12T>G (NM_001243226.3); c.297+12T>G (NM_001369584.1, NM_001369576.1, NM_001369577.1 and 15 more transcripts); c.369+12T>G (NM_001369571.1, NM_001369567.1, NM_001243228.2 and 8 more transcripts); c.363+12T>G (NM_001243230.2); c.243+12T>G (NM_001243231.2, NM_001348211.2); c.-19+12T>G (NM_001348212.2); c.-22+12T>G (NM_001348213.2, NM_001243233.2); c.159+12T>G (NM_001306208.1, NM_001243232.1).
Identifiers: ClinVar variation 378713 (VCV000378713.9), dbSNP rs777983584, ClinGen allele CA8970538.

ClinVar aggregate classification (germline): Benign/Likely benign. Review status: criteria provided, multiple submitters, no conflicts (2 of 4 stars). 3 submissions from 3 submitters: Benign (1); Likely benign (2). Last evaluated 2025-05-14.

Conditions:
Pitt-Hopkins syndrome (PTHS). Also called: ENCEPHALOPATHY, SEVERE EPILEPTIC, WITH AUTONOMIC DYSFUNCTION; MENTAL RETARDATION, SYNDROMAL, WITH INTERMITTENT HYPERVENTILATION. Identifiers: Orphanet 2896, MedGen C1970431, MONDO:0012589, OMIM 610954.

Allele frequency attached by ClinVar (database versions not stated): gnomAD below 0.00001 and 0.00007; gnomAD exomes 0.00014 and 0.00030; ExAC 0.00038.
gnomAD v4.1: 214 of 1,613,586 alleles (0.013%); highest among the groups gnomAD compares: South Asian, 0.23%; 2 homozygotes.

Submissions (3):

Labcorp Genetics (formerly Invitae), Labcorp
Classification: Benign for Pitt-Hopkins syndrome. Last evaluated: 2025-05-14. Review status: criteria provided, single submitter. Criteria: Invitae Variant Classification Sherloc (09022015). Collection method: clinical testing. Allele origin: germline.

Blueprint Genetics
Classification: Likely benign. Last evaluated: 2024-11-06. Review status: criteria provided, single submitter. Criteria: ACMG Guidelines, 2015. Collection method: clinical testing. Allele origin: germline.

GeneDx
Classification: Likely benign. Last evaluated: 2016-06-07. Review status: criteria provided, single submitter. Criteria: GeneDx Variant Classification (06012015). Collection method: clinical testing. Allele origin: germline. Affected: yes.
Comment: This variant is considered likely benign or benign based on one or more of the following criteria: it is a conservative change, it occurs at a poorly conserved position in the protein, it is predicted to be benign by multiple in silico algorithms, and/or has population frequency not consistent with disease.